The following is an entry in ClinVar:

ClinVar aggregate classification (germline): Benign (0 of 4 stars; one submission).

Conditions:
CD6-related disorder. Also called: CD6-related condition.

Allele frequency attached by ClinVar (database versions not stated): ExAC 0.33079; 1000 Genomes Project 0.35024; 1000 Genomes Project 30x 0.36118; gnomAD 0.37951; TOPMed 0.39825; ESP Exome Variant Server 0.40320.
gnomAD v4.1: 537,485 of 1,606,102 alleles (33%); highest among the groups gnomAD compares: African/African-American, 56%; 93,780 homozygotes.

Submission:

PreventionGenetics, part of Exact Sciences
Classification: Benign for CD6-related condition. Last evaluated: 2019-10-17. Review status: no assertion criteria provided. Collection method: clinical testing. Allele origin: germline.
Comment: This variant is classified as benign based on ACMG/AMP sequence variant interpretation guidelines (Richards et al. 2015 PMID: 25741868, with internal and published modifications).

NM_006725.5(CD6):c.673C>T (p.Arg225Trp)

Gene: CD6 (CD6 molecule; plus strand). Cytogenetic location: 11q12.2.
Variant type: single nucleotide variant.
Coding change: c.673C>T on transcript NM_006725.5 (MANE Select); coding-DNA position 673, C replaced by T.
Protein change: p.Arg225Trp; replaces arginine 225 with tryptophan.
Molecular consequence: missense variant. On other transcripts: non-coding transcript variant (1).
Genome position (GRCh38, 1-based): chr11:61,008,737, C>T. VCF-style: chr11-61008737-C-T. GRCh37 (hg19) VCF-style: chr11-60776209-C-T.
Other names: c.673C>T, p.Arg225Trp (NM_001254750.2, NM_001254751.2); short protein forms R225W.
Identifiers: ClinVar variation 3060458 (VCV003060458.2), dbSNP rs11230563, ClinGen allele CA6029968.